The following is an entry in ClinVar:

ClinVar aggregate classification (germline): Likely pathogenic (1 of 4 stars; one submission).

Conditions:
Neurodevelopmental disorder with hypotonia, brain anomalies, distinctive facies, and absent language. Also called: RNU4-2-Related Neurodevelopmental Disorder; RNU4-2–Related Autosomal Dominant Neurodevelopmental Disorder; ReNU SYNDROME. Identifiers: Orphanet 686488, MedGen C5935628, MONDO:0971172, OMIM 620851.

Submission:

Institute for Human Genetics, University Hospital Essen
Classification: Likely pathogenic for Neurodevelopmental disorder with hypotonia, brain anomalies, distinctive facies, and absent language. Last evaluated: 2005-03-05. Review status: criteria provided, single submitter. Criteria: ACMG Guidelines, 2015. Collection method: clinical testing. Allele origin: de novo. Inheritance: Autosomal dominant inheritance. Affected: yes.
Comment: PM2_supp, PS2, PS3

NR_003137.3(RNU4-2):n.72_73del

Genes: RNU4-2 (RNA, U4 small nuclear 2; minus strand), SIRT4 (sirtuin 4; plus strand). Cytogenetic location: 12q24.23.
Variant type: Deletion.
Molecular consequence: non-coding transcript variant (on NR_003137.3).
Genome position: GRCh38 VCF-style: chr12-120291830-GAA-G. GRCh37 (hg19) VCF-style: chr12-120729633-GAA-G.
Identifiers: ClinVar variation 3766422 (VCV003766422.1).
Genomic context (GRCh38, chr12:120,291,830, plus strand): 5'-AGAGACTGTCAAAAATTGCCAATGCCGACTATATTTCAAGTCGTCATGGCGGGGTATTGG[GAA>G]AAGTTTTCAATTAGCAATAATCGCGCCTCGGATAAACCTCATTGGCTACGATACTGCCAC-3'